The following is an entry in ClinVar:

NM_001130083.2(ABLIM2):c.418G>A (p.Val140Met)

Gene: ABLIM2 (actin binding LIM protein family member 2; minus strand). Cytogenetic location: 4p16.1.
Variant type: single nucleotide variant.
Coding change: c.418G>A on transcript NM_001130083.2 (MANE Select); coding-DNA position 418, G replaced by A.
Protein change: p.Val140Met; replaces valine 140 with methionine.
Molecular consequence: missense variant.
Genome position (GRCh38, 1-based): chr4:8,088,205, C>T on the plus strand (G>A on the coding strand, the complement: ABLIM2 is on the minus strand). VCF-style: chr4-8088205-C-T. GRCh37 (hg19) VCF-style: chr4-8089932-C-T.
Other names: c.418G>A, p.Val140Met (NM_001130084.2, NM_001130085.2, NM_001130086.2 and 3 more transcripts); short protein forms V140M.
Identifiers: ClinVar variation 2654643 (VCV002654643.24), dbSNP rs190189401, ClinGen allele CA2848365.

ClinVar aggregate classification (germline): Likely benign (1 of 4 stars; one submission).

Allele frequency attached by ClinVar (database versions not stated): ESP Exome Variant Server 0.00008; TOPMed 0.00036; gnomAD exomes 0.00046; gnomAD 0.00050; ExAC 0.00109; 1000 Genomes Project 30x 0.00172; 1000 Genomes Project 0.00200.

Submission:

CeGaT Center for Human Genetics Tuebingen
Classification: Likely benign. Last evaluated: 2023-03-01. Review status: criteria provided, single submitter. Criteria: CeGaT Center For Human Genetics Tuebingen Variant Classification Criteria Version 2. Collection method: clinical testing. Allele origin: germline. Affected: yes. Observed: 1 variant allele.
Comment: ABLIM2: BP4